The following is an entry in ClinVar:

NC_000017.11:g.(?_80213794)_(80215148_?)del

Gene: SGSH (N-sulfoglucosamine sulfohydrolase; minus strand). Cytogenetic location: 17q25.3.
Variant type: Deletion.
Identifiers: ClinVar variation 832945 (VCV000832945.3).

ClinVar aggregate classification (germline): Pathogenic (1 of 4 stars; one submission).

Conditions:
Mucopolysaccharidosis, MPS-III-A (MPS3A). Also called: SANFILIPPO SYNDROME A; SULFAMIDASE DEFICIENCY; Mucopolysaccharidosis, type IIIA; Mucopolysaccharidosis type IIIA (Sanfilippo A); mucopolysaccharidosis type 3A; MPS IIIA (Sanfilippo Syndrome Type A). Identifiers: Orphanet 581, Orphanet 79269, MedGen C0086647, MONDO:0009655, OMIM 252900.

Submission:

Labcorp Genetics (formerly Invitae), Labcorp
Classification: Pathogenic for Mucopolysaccharidosis, MPS-III-A. Last evaluated: 2021-09-21. Review status: criteria provided, single submitter. Criteria: Invitae Variant Classification Sherloc (09022015). Collection method: clinical testing. Allele origin: germline.
Comment: For these reasons, this variant has been classified as Pathogenic. This variant has not been reported in the literature in individuals affected with SGSH-related conditions. This variant is a gross deletion of the genomic region encompassing exon(s) 3-6 of the SGSH gene. This deletion is out-of-frame, and is expected to create a premature termination codon and result in an absent or disrupted protein product. Loss-of-function variants in SGSH are known to be pathogenic (PMID: 11182930, 21204211, 22976768).

Literature cited by the submitters: PubMed 11182930; PubMed 21204211; PubMed 22976768.